The following is an entry in ClinVar:

NM_153252.5(BRWD3):c.1467C>G (p.Asn489Lys)

Gene: BRWD3 (bromodomain and WD repeat domain containing 3; minus strand). Cytogenetic location: Xq21.1.
Variant type: single nucleotide variant.
Coding change: c.1467C>G on transcript NM_153252.5 (MANE Select); coding-DNA position 1467, C replaced by G.
Protein change: p.Asn489Lys; replaces asparagine 489 with lysine.
Molecular consequence: missense variant.
Genome position (GRCh38, 1-based): chrX:80,724,987, G>C on the plus strand (C>G on the coding strand, the complement: BRWD3 is on the minus strand). VCF-style: chrX-80724987-G-C. GRCh37 (hg19) VCF-style: chrX-79980486-G-C.
Other names: short protein forms N489K.
Identifiers: ClinVar variation 2827744 (VCV002827744.3), dbSNP rs2520332664, ClinGen allele CA413635131.

ClinVar aggregate classification (germline): Uncertain significance (1 of 4 stars; one submission).

Submission:

Labcorp Genetics (formerly Invitae), Labcorp
Classification: Uncertain significance. Last evaluated: 2023-08-17. Review status: criteria provided, single submitter. Criteria: Invitae Variant Classification Sherloc (09022015). Collection method: clinical testing. Allele origin: germline.
Comment: This sequence change replaces asparagine, which is neutral and polar, with lysine, which is basic and polar, at codon 489 of the BRWD3 protein (p.Asn489Lys). This variant is not present in population databases (gnomAD no frequency). This variant has not been reported in the literature in individuals affected with BRWD3-related conditions. Advanced modeling of protein sequence and biophysical properties (such as structural, functional, and spatial information, amino acid conservation, physicochemical variation, residue mobility, and thermodynamic stability) performed at Invitae indicates that this missense variant is not expected to disrupt BRWD3 protein function. In summary, the available evidence is currently insufficient to determine the role of this variant in disease. Therefore, it has been classified as a Variant of Uncertain Significance.